The following is an entry in ClinVar:

NM_003047.5(SLC9A1):c.2371A>G (p.Ile791Val)

Gene: SLC9A1 (solute carrier family 9 member A1; minus strand). Cytogenetic location: 1p36.11.
Variant type: single nucleotide variant.
Coding change: c.2371A>G on transcript NM_003047.5 (MANE Select); coding-DNA position 2371, A replaced by G.
Protein change: p.Ile791Val; replaces isoleucine 791 with valine.
Molecular consequence: missense variant. On other transcripts: non-coding transcript variant (1).
Genome position (GRCh38, 1-based): chr1:27,100,384, T>C on the plus strand (A>G on the coding strand, the complement: SLC9A1 is on the minus strand). VCF-style: chr1-27100384-T-C. GRCh37 (hg19) VCF-style: chr1-27426875-T-C.
Other names: c.2371A>G (NM_003047.3); short protein forms I791V.
Identifiers: ClinVar variation 2198215 (VCV002198215.7), dbSNP rs140754742, ClinGen allele CA710800.
Genomic context (GRCh38, chr1:27,100,384, plus strand): 5'-AGAACGGTTCTCCCTCCCCAGGCTCAGGGTGTGGGCCTGGGTCACTGAGGCAGCGCTGTA[T>C]CCTCTGGGAGCTGGGGCTGTCACTGGGCGCGGGGGTGAAGACATCGTCGGTTCCTGGGGA-3'
Protein context (NP_003038.2, residues 781-801): APSDSPSSQR[Ile791Val]QRCLSDPGPH

ClinVar aggregate classification (germline): Uncertain significance. Review status: criteria provided, multiple submitters, no conflicts (2 of 4 stars). 2 submissions from 2 submitters: Uncertain significance (2). Last evaluated 2025-08-26.

Allele frequency attached by ClinVar (database versions not stated): ExAC 0.00004; gnomAD 0.00005; TOPMed 0.00006; ESP Exome Variant Server 0.00015.
gnomAD v4.1: 192 of 1,593,666 alleles (0.012%); highest among the groups gnomAD compares: Non-Finnish European, 0.015%; no homozygotes.

Submissions (2):

Ambry Genetics
Classification: Uncertain significance. Last evaluated: 2025-08-26. Review status: criteria provided, single submitter. Criteria: Ambry Variant Classification Scheme 2023. Collection method: clinical testing. Allele origin: germline.

Labcorp Genetics (formerly Invitae), Labcorp
Classification: Uncertain significance. Last evaluated: 2022-04-29. Review status: criteria provided, single submitter. Criteria: Invitae Variant Classification Sherloc (09022015). Collection method: clinical testing. Allele origin: germline.
Comment: This variant has not been reported in the literature in individuals affected with SLC9A1-related conditions. In summary, the available evidence is currently insufficient to determine the role of this variant in disease. Therefore, it has been classified as a Variant of Uncertain Significance. Algorithms developed to predict the effect of sequence changes on RNA splicing suggest that this variant may create or strengthen a splice site. Algorithms developed to predict the effect of missense changes on protein structure and function (SIFT, PolyPhen-2, Align-GVGD) all suggest that this variant is likely to be tolerated. This variant is present in population databases (rs140754742, gnomAD 0.01%). This sequence change replaces isoleucine, which is neutral and non-polar, with valine, which is neutral and non-polar, at codon 791 of the SLC9A1 protein (p.Ile791Val).